The following is an entry in ClinVar:

NM_033641.4(COL4A6):c.2808T>C (p.Arg936=)

Gene: COL4A6 (collagen type IV alpha 6 chain; minus strand). Cytogenetic location: Xq22.3.
Variant type: single nucleotide variant.
Coding change: c.2808T>C on transcript NM_033641.4 (MANE Select); coding-DNA position 2808, T replaced by C.
Protein change: p.Arg936=; no amino-acid change (arginine 936 retained).
Molecular consequence: synonymous variant.
Genome position (GRCh38, 1-based): chrX:108,175,676, A>G on the plus strand (T>C on the coding strand, the complement: COL4A6 is on the minus strand). VCF-style: chrX-108175676-A-G. GRCh37 (hg19) VCF-style: chrX-107418906-A-G.
Other names: p.Arg937=; c.2859T>C, p.Arg953= (NM_001287758.2); c.2808T>C, p.Arg936= (NM_001287759.2, NM_001287760.2); c.2811T>C, p.Arg937= (NM_001847.4).
Identifiers: ClinVar variation 258270 (VCV000258270.20), dbSNP rs4623610, ClinGen allele CA10487566.

ClinVar aggregate classification (germline): Benign. Review status: criteria provided, multiple submitters, no conflicts (2 of 4 stars). 9 submissions from 9 submitters: Benign (7). 2 of the submissions do not count toward it. Last evaluated 2026-02-04.

Conditions:
Hearing loss, X-linked 6. Also called: Deafness, X-linked 6. Identifiers: Orphanet 90625, MedGen C3806737, MONDO:0010484, OMIM 300914.

Allele frequency attached by ClinVar (database versions not stated): ESP Exome Variant Server 0.98305; 1000 Genomes Project 30x 0.98377; 1000 Genomes Project 0.98384; TOPMed 0.98505; gnomAD 0.98777; ExAC 0.99511; gnomAD exomes 0.99593.

Submissions (9):

Labcorp Genetics (formerly Invitae), Labcorp
Classification: Benign. Last evaluated: 2026-02-04. Review status: criteria provided, single submitter. Criteria: Invitae Variant Classification Sherloc (09022015). Collection method: clinical testing. Allele origin: germline.

Blueprint Genetics
Classification: Benign. Last evaluated: 2024-11-28. Review status: criteria provided, single submitter. Criteria: ACMG Guidelines, 2015. Collection method: clinical testing. Allele origin: germline.

Mayo Clinic Laboratories, Mayo Clinic
Classification: Benign. Last evaluated: 2022-03-09. Review status: criteria provided, single submitter. Criteria: ACMG Guidelines, 2015. Collection method: clinical testing. Allele origin: germline. Observed: 310 variant alleles.

Genome-Nilou Lab
Classification: Benign for Hearing loss, X-linked 6. Last evaluated: 2021-07-30. Review status: criteria provided, single submitter. Criteria: ACMG Guidelines, 2015. Collection method: clinical testing. Allele origin: germline. Affected: no.

GeneDx
Classification: Benign. Last evaluated: 2017-05-09. Review status: criteria provided, single submitter. Criteria: GeneDx Variant Classification (06012015). Collection method: clinical testing. Allele origin: germline. Affected: yes.
Comment: This variant is considered likely benign or benign based on one or more of the following criteria: it is a conservative change, it occurs at a poorly conserved position in the protein, it is predicted to be benign by multiple in silico algorithms, and/or has population frequency not consistent with disease.

Breakthrough Genomics
Classification: Benign. Review status: criteria provided, single submitter. Criteria: ACMG Guidelines, 2015. Collection method: not provided. Allele origin: germline. Inheritance: X-linked inheritance. Affected: yes.

PreventionGenetics, part of Exact Sciences
Classification: Benign. Review status: criteria provided, single submitter. Criteria: ACMG Guidelines, 2015. Collection method: clinical testing. Allele origin: germline.

Diagnostic Laboratory, Department of Genetics, University Medical Center Groningen
Classification: Benign. Review status: no assertion criteria provided. Collection method: clinical testing. Allele origin: germline. Affected: yes. Study: VKGL Data-share Consensus. Not counted in ClinVar's aggregate classification.

Joint Genome Diagnostic Labs from Nijmegen and Maastricht, Radboudumc and MUMC+
Classification: Benign. Review status: no assertion criteria provided. Collection method: clinical testing. Allele origin: germline. Affected: yes. Study: VKGL Data-share Consensus. Not counted in ClinVar's aggregate classification.